The following is an entry in ClinVar:

ClinVar aggregate classification (germline): Uncertain significance (1 of 4 stars; one submission).

Conditions:
Neuroblastoma, susceptibility to, 3. Also called: ALK-Related Neuroblastic Tumor Susceptibility. Identifiers: Orphanet 635, MedGen C2751681, MONDO:0013083, OMIM 613014.

Submission:

Labcorp Genetics (formerly Invitae), Labcorp
Classification: Uncertain significance for Neuroblastoma, susceptibility to, 3. Last evaluated: 2025-08-06. Review status: criteria provided, single submitter. Criteria: Invitae Variant Classification Sherloc (09022015). Collection method: clinical testing. Allele origin: germline.
Comment: This sequence change replaces asparagine, which is neutral and polar, with aspartic acid, which is acidic and polar, at codon 787 of the ALK protein (p.Asn787Asp). This variant is not present in population databases (gnomAD no frequency). This variant has not been reported in the literature in individuals affected with ALK-related conditions. ClinVar contains an entry for this variant (Variation ID: 1011920). An algorithm developed to predict the effect of missense changes on protein structure and function (PolyPhen-2) suggests that this variant is likely to be disruptive. In summary, the available evidence is currently insufficient to determine the role of this variant in disease. Therefore, it has been classified as a Variant of Uncertain Significance.

NM_004304.5(ALK):c.2359A>G (p.Asn787Asp)

Gene: ALK (ALK receptor tyrosine kinase; minus strand). Cytogenetic location: 2p23.2.
Variant type: single nucleotide variant.
Coding change: c.2359A>G on transcript NM_004304.5 (MANE Select); coding-DNA position 2359, A replaced by G.
Protein change: p.Asn787Asp; replaces asparagine 787 with aspartic acid.
Molecular consequence: missense variant.
Genome position (GRCh38, 1-based): chr2:29,233,693, T>C on the plus strand (A>G on the coding strand, the complement: ALK is on the minus strand). VCF-style: chr2-29233693-T-C. GRCh37 (hg19) VCF-style: chr2-29456559-T-C.
Other names: short protein forms N787D.
Identifiers: ClinVar variation 1011920 (VCV001011920.8), dbSNP rs1664285603, ClinGen allele CA346472589.